The following is an entry in ClinVar:

NM_018706.7(DHTKD1):c.295C>A (p.Pro99Thr)

Gene: DHTKD1 (dehydrogenase E1 and transketolase domain containing 1; plus strand). Cytogenetic location: 10p14.
Variant type: single nucleotide variant.
Coding change: c.295C>A on transcript NM_018706.7 (MANE Select); coding-DNA position 295, C replaced by A.
Protein change: p.Pro99Thr; replaces proline 99 with threonine.
Molecular consequence: missense variant.
Genome position (GRCh38, 1-based): chr10:12,081,612, C>A. VCF-style: chr10-12081612-C-A. GRCh37 (hg19) VCF-style: chr10-12123611-C-A.
Other names: short protein forms P99T.
Identifiers: ClinVar variation 4691595 (VCV004691595.1).

ClinVar aggregate classification (germline): Uncertain significance (1 of 4 stars; one submission).

Conditions:
2-aminoadipic 2-oxoadipic aciduria (AAKAD). Also called: Aminoadipic aciduria; ALPHA-AMINOADIPIC AND ALPHA-KETOADIPIC ACIDURIA. Identifiers: Orphanet 79154, MedGen C1859817, MONDO:0008774, OMIM 204750.

gnomAD v4.1: 1 of 1,614,118 alleles (0.000062%); highest among the groups gnomAD compares: Non-Finnish European, 0.000085%; no homozygotes.

Submission:

Labcorp Genetics (formerly Invitae), Labcorp
Classification: Uncertain significance for 2-aminoadipic 2-oxoadipic aciduria. Last evaluated: 2025-08-04. Review status: criteria provided, single submitter. Criteria: Invitae Variant Classification Sherloc (09022015). Collection method: clinical testing. Allele origin: germline.
Comment: This sequence change replaces proline, which is neutral and non-polar, with threonine, which is neutral and polar, at codon 99 of the DHTKD1 protein (p.Pro99Thr). This variant is not present in population databases (gnomAD no frequency). This variant has not been reported in the literature in individuals affected with DHTKD1-related conditions. Invitae Evidence Modeling of protein sequence and biophysical properties (such as structural, functional, and spatial information, amino acid conservation, physicochemical variation, residue mobility, and thermodynamic stability) indicates that this missense variant is not expected to disrupt DHTKD1 protein function with a negative predictive value of 80%. In summary, the available evidence is currently insufficient to determine the role of this variant in disease. Therefore, it has been classified as a Variant of Uncertain Significance.